The following is an entry in ClinVar:

ClinVar aggregate classification (germline): Uncertain significance (1 of 4 stars; one submission).

Conditions:
RAB23-related disorder. Also called: RAB23-related condition.

gnomAD v4.1: 4 of 1,614,032 alleles (0.00025%); highest among the groups gnomAD compares: Non-Finnish European, 0.00034%; no homozygotes.

Submission:

PreventionGenetics, part of Exact Sciences
Classification: Uncertain significance for RAB23-related condition. Last evaluated: 2025-04-14. Review status: criteria provided, single submitter. Criteria: ACMG Guidelines, 2015. Collection method: clinical testing. Allele origin: germline.
Comment: The RAB23 c.319G>C variant is predicted to result in the amino acid substitution p.Val107Leu. To our knowledge, this variant has not been reported in the literature or in a large population database (gnomAD), indicating this variant is rare. At this time, the clinical significance of this variant is uncertain due to the absence of conclusive functional and genetic evidence.

NM_016277.5(RAB23):c.319G>C (p.Val107Leu)

Gene: RAB23 (RAB23, member RAS oncogene family; minus strand). Cytogenetic location: 6p12.1.
Variant type: single nucleotide variant.
Coding change: c.319G>C on transcript NM_016277.5 (MANE Select); coding-DNA position 319, G replaced by C.
Protein change: p.Val107Leu; replaces valine 107 with leucine.
Molecular consequence: missense variant.
Genome position (GRCh38, 1-based): chr6:57,196,529, C>G on the plus strand (G>C on the coding strand, the complement: RAB23 is on the minus strand). VCF-style: chr6-57196529-C-G. GRCh37 (hg19) VCF-style: chr6-57061327-C-G.
Other names: c.319G>C, p.Val107Leu (NM_001278666.2, NM_001278667.2, NM_001278668.2 and 1 more transcripts); short protein forms V107L.
Identifiers: ClinVar variation 4979536 (VCV004979536.1).
Genomic context (GRCh38, chr6:57,196,529, plus strand): 5'-CCAGAAGATCAATCTTGTTTTGCACAAGTACAGTTGGTATATCTCCCACTTCGGCTACTA[C>G]TTTCTCTCTCCAACTGGAAACTGCTTCAAAAGATTCCCTATCTGTGGTAGAGAACACGAG-3'
Protein context (NP_057361.3, residues 97-117): FEAVSSWREK[Val107Leu]VAEVGDIPTV